The following is an entry in ClinVar:

ClinVar aggregate classification (germline): Pathogenic/Likely pathogenic. Review status: criteria provided, multiple submitters, no conflicts (2 of 4 stars). 2 submissions from 2 submitters: Pathogenic (1); Likely pathogenic (1). Last evaluated 2025-08-05.

Conditions:
Early-infantile DEE. Also called: Early infantile epileptic encephalopathy with suppression bursts; Early infantile epileptic encephalopathy; Ohtahara syndrome. Identifiers: Orphanet 1934, MedGen C0393706, MONDO:0800491.
Developmental and epileptic encephalopathy, 7 (DEE7). Also called: Early infantile epileptic encephalopathy 7; KCNQ2-Related Neonatal Epileptic Encephalopathy; KCNQ2-Related Neonatal-Onset Developmental and Epileptic Encephalopathy (NEO-DEE). Identifiers: Orphanet 439218, MedGen C3150986, MONDO:0013387, OMIM 613720.

Submissions (2):

3billion
Classification: Likely pathogenic for Developmental and epileptic encephalopathy, 7. Last evaluated: 2025-08-05. Review status: criteria provided, single submitter. Criteria: ACMG Guidelines, 2015. Collection method: clinical testing. Allele origin: germline. Affected: yes.
Comment: The variant is not observed in the gnomAD v4.1.0 dataset. Predicted Consequence/Location: The variant is located in a mutational hot spot and/or well-established functional domain in which established pathogenic variants have been reported. In silico tool predictions suggest damaging effect of the variant on gene or gene product [REVEL: 0.75 (>=0.6, sensitivity 0.68 and specificity 0.92); 3Cnet: 1.00 (> 0.75, sensitivity 0.96 and precision 0.92)]. The same nucleotide change resulting in the same amino acid change has been previously reported to be associated with KCNQ2-related disorder (ClinVar ID: VCV002122866). Therefore, this variant is classified as Likely pathogenic according to the recommendation of ACMG/AMP guideline.

Labcorp Genetics (formerly Invitae), Labcorp
Classification: Pathogenic for Early-infantile DEE. Last evaluated: 2022-05-26. Review status: criteria provided, single submitter. Criteria: Invitae Variant Classification Sherloc (09022015). Collection method: clinical testing. Allele origin: germline.
Comment: This variant is not present in population databases (gnomAD no frequency). This sequence change replaces phenylalanine, which is neutral and non-polar, with valine, which is neutral and non-polar, at codon 240 of the KCNQ2 protein (p.Phe240Val). Advanced modeling of protein sequence and biophysical properties (such as structural, functional, and spatial information, amino acid conservation, physicochemical variation, residue mobility, and thermodynamic stability) performed at Invitae indicates that this missense variant is expected to disrupt KCNQ2 protein function. This missense change has been observed in individual(s) with clinical features of KCNQ2-related conditions (Invitae). In at least one individual the variant was observed to be de novo. For these reasons, this variant has been classified as Pathogenic.

NM_172107.4(KCNQ2):c.718T>G (p.Phe240Val)

Gene: KCNQ2 (potassium voltage-gated channel subfamily Q member 2; minus strand). Cytogenetic location: 20q13.33.
Variant type: single nucleotide variant.
Coding change: c.718T>G on transcript NM_172107.4 (MANE Select); coding-DNA position 718, T replaced by G.
Protein change: p.Phe240Val; replaces phenylalanine 240 with valine.
Molecular consequence: missense variant.
Genome position (GRCh38, 1-based): chr20:63,442,504, A>C on the plus strand (T>G on the coding strand, the complement: KCNQ2 is on the minus strand). VCF-style: chr20-63442504-A-C. GRCh37 (hg19) VCF-style: chr20-62073857-A-C.
Other names: c.718T>G, p.Phe240Val (NM_001382235.1, NM_004518.6, NM_172106.3 and 2 more transcripts); short protein forms F240V.
Identifiers: ClinVar variation 2122866 (VCV002122866.5), dbSNP rs2516447970, ClinGen allele CA409654015.